The following is an entry in ClinVar:

ClinVar aggregate classification (germline): Uncertain significance. Review status: criteria provided, multiple submitters, no conflicts (2 of 4 stars). 2 submissions from 2 submitters: Uncertain significance (2). Last evaluated 2024-04-22.

Allele frequency attached by ClinVar (database versions not stated): gnomAD exomes 0.00001; ExAC 0.00002; gnomAD 0.00002; TOPMed 0.00002.
gnomAD v4.1: 22 of 1,591,228 alleles (0.0014%); highest among the groups gnomAD compares: South Asian, 0.0077%; no homozygotes.

Submissions (2):

Blueprint Genetics
Classification: Uncertain significance. Last evaluated: 2024-04-22. Review status: criteria provided, single submitter. Criteria: ACMG Guidelines, 2015. Collection method: clinical testing. Allele origin: germline.

Labcorp Genetics (formerly Invitae), Labcorp
Classification: Uncertain significance. Last evaluated: 2023-12-11. Review status: criteria provided, single submitter. Criteria: Invitae Variant Classification Sherloc (09022015). Collection method: clinical testing. Allele origin: germline.
Comment: This sequence change replaces alanine, which is neutral and non-polar, with threonine, which is neutral and polar, at codon 408 of the TCF3 protein (p.Ala408Thr). This variant is present in population databases (rs760988552, gnomAD 0.003%). This variant has not been reported in the literature in individuals affected with TCF3-related conditions. ClinVar contains an entry for this variant (Variation ID: 1936356). Advanced modeling of protein sequence and biophysical properties (such as structural, functional, and spatial information, amino acid conservation, physicochemical variation, residue mobility, and thermodynamic stability) performed at Invitae indicates that this missense variant is expected to disrupt TCF3 protein function with a positive predictive value of 80%. In summary, the available evidence is currently insufficient to determine the role of this variant in disease. Therefore, it has been classified as a Variant of Uncertain Significance.

NM_003200.5(TCF3):c.1222G>A (p.Ala408Thr)

Gene: TCF3 (transcription factor 3; minus strand). Cytogenetic location: 19p13.3.
Variant type: single nucleotide variant.
Coding change: c.1222G>A on transcript NM_003200.5 (MANE Select); coding-DNA position 1222, G replaced by A.
Protein change: p.Ala408Thr; replaces alanine 408 with threonine.
Molecular consequence: missense variant.
Genome position (GRCh38, 1-based): chr19:1,619,420, C>T on the plus strand (G>A on the coding strand, the complement: TCF3 is on the minus strand). VCF-style: chr19-1619420-C-T. GRCh37 (hg19) VCF-style: chr19-1619419-C-T.
Other names: c.1222G>A, p.Ala408Thr (NM_001136139.4, NM_001351779.2); c.1219G>A, p.Ala407Thr (NM_001351778.2); short protein forms A407T, A408T.
Identifiers: ClinVar variation 1936356 (VCV001936356.6), dbSNP rs760988552, ClinGen allele CA9049973.
Genomic context (GRCh38, chr19:1,619,420, plus strand): 5'-CTGAGGCCAGCGCCCCGTGGCCAGGCAGCAGCGTGTGCATGTCGCCGGCTGTGCCCACGG[C>T]GTGGCTGCGGAGCACGTGGATGGCCTCGTCCAGGTGGTCTTCTATCTTACTCTGCTGCAG-3'
Protein context (NP_003191.1, residues 398-418): DEAIHVLRSH[Ala408Thr]VGTAGDMHTL